The following is an entry in ClinVar:

ClinVar aggregate classification (germline): Conflicting classifications of pathogenicity. Review status: criteria provided, conflicting classifications (1 of 4 stars). 2 submissions from 2 submitters: Uncertain significance (1); Likely benign (1). Last evaluated 2026-09-22.

Conditions:
TTN-related disorder. Also called: TTN-related condition; TTN-related disease; TTN-related disorders.

Allele frequency attached by ClinVar (database versions not stated): gnomAD 0.00001 and 0.00003; TOPMed 0.00001; gnomAD exomes 0.00005 and 0.00006; ExAC 0.00008.
gnomAD v4.1: 79 of 1,613,438 alleles (0.0049%); highest among the groups gnomAD compares: South Asian, 0.044%; 2 homozygotes.

Submissions (2):

PreventionGenetics, part of Exact Sciences
Classification: Likely benign for TTN-related condition. Last evaluated: 2026-09-22. Review status: criteria provided, single submitter. Criteria: ACMG Guidelines, 2015. Collection method: clinical testing. Allele origin: germline.
Comment: This variant is classified as likely benign based on ACMG/AMP sequence variant interpretation guidelines (Richards et al. 2015 PMID: 25741868, with internal and published modifications).

Biesecker Lab/Clinical Genomics Section, National Institutes of Health
Classification: Uncertain significance. Last evaluated: 2013-06-24. Review status: criteria provided, single submitter. Criteria: Ng et al. (Circ Cardiovasc Genet. 2013). Collection method: research. Allele origin: unknown. Observed: 1 variant allele. Study: ClinSeq.
Comment: The study set was not selected for affection status in relation to any cancer. Pathogenicity categories were based on literature curation. See Pubmed ID:23861362 for details.

Medical sequencing

NM_001267550.2(TTN):c.36466G>C (p.Glu12156Gln)

Gene: TTN (titin; minus strand). Cytogenetic location: 2q31.2.
Variant type: single nucleotide variant.
Coding change: c.36466G>C on transcript NM_001267550.2 (MANE Select); coding-DNA position 36466, G replaced by C.
Protein change: p.Glu12156Gln; replaces glutamic acid 12156 with glutamine.
Molecular consequence: missense variant. On other transcripts: intron variant (4).
Genome position (GRCh38, 1-based): chr2:178,663,693, C>G on the plus strand (G>C on the coding strand, the complement: TTN is on the minus strand). VCF-style: chr2-178663693-C-G. GRCh37 (hg19) VCF-style: chr2-179528420-C-G.
Other names: c.13283-21376G>C (NM_003319.4); c.13859-21376G>C (NM_133437.4); c.13658-21376G>C (NM_133432.3); c.34265-638G>C (NM_001256850.1); c.31484-638G>C (NM_133378.4); short protein forms E12156Q.
Identifiers: ClinVar variation 191986 (VCV000191986.2), dbSNP rs777085715, ClinGen allele CA238031.